The following is an entry in ClinVar:

NM_000530.8(MPZ):c.212A>G (p.Glu71Gly)

Gene: MPZ (myelin protein zero; minus strand). Cytogenetic location: 1q23.3.
Variant type: single nucleotide variant.
Coding change: c.212A>G on transcript NM_000530.8 (MANE Select); coding-DNA position 212, A replaced by G.
Protein change: p.Glu71Gly; replaces glutamic acid 71 with glycine.
Molecular consequence: missense variant.
Genome position (GRCh38, 1-based): chr1:161,307,280, T>C on the plus strand (A>G on the coding strand, the complement: MPZ is on the minus strand). VCF-style: chr1-161307280-T-C. GRCh37 (hg19) VCF-style: chr1-161277070-T-C.
Other names: c.212A>G, p.Glu71Gly (NM_001315491.2); short protein forms E71G.
Identifiers: ClinVar variation 2498194 (VCV002498194.10), dbSNP rs1670283749, ClinGen allele CA343350395.

ClinVar aggregate classification (germline): Uncertain significance. Review status: criteria provided, multiple submitters, no conflicts (2 of 4 stars). 3 submissions from 3 submitters: Uncertain significance (3). Last evaluated 2024-05-22.

Conditions:
Charcot-Marie-Tooth disease, type I (CMT1). Also called: Charcot-Marie-Tooth, Type 1; Charcot-Marie-Tooth disease type 1. Identifiers: Orphanet 65753, MedGen C0751036, MONDO:0019011.
Charcot-Marie-Tooth disease type 1B. Also called: PERONEAL MUSCULAR ATROPHY; CHARCOT-MARIE-TOOTH DISEASE, AUTOSOMAL DOMINANT, WITH FOCALLY FOLDED MYELIN SHEATHS, TYPE 1B; CHARCOT-MARIE-TOOTH DISEASE, SLOW NERVE CONDUCTION TYPE, LINKED TO DUFFY; CHARCOT-MARIE-TOOTH NEUROPATHY, TYPE 1B; HEREDITARY MOTOR AND SENSORY NEUROPATHY I; HEREDITARY MOTOR AND SENSORY NEUROPATHY IB. Identifiers: Orphanet 101082, MedGen C0270912, MONDO:0007307, OMIM 118200.

Submissions (3):

Clinical Omics and Informatics (COIN) Unit, Neuroscience Institute, University Of Cape Town
Classification: Uncertain significance for Charcot-Marie-Tooth disease type 1B. Last evaluated: 2024-05-22. Review status: criteria provided, single submitter. Criteria: ACMG Guidelines, 2015. Collection method: research. Allele origin: germline. Inheritance: Autosomal dominant inheritance. Affected: yes. Observed: 1 variant allele, 1 heterozygote.
Comment: PM2_supporting: this variant is absent from gnomAD v4.0(adequate coverage >20X confirmed) and an internal database of 1074 control alleles. BP4 met: REVEL score 0.23. PP1 not met: 2 informative meioses in 1 family. PM1 met: variant occurs in the immunoglobulin (Ig)-like extracellular domain with other pathogenic variants. PM5 not met: MPZ p.Glu71Lys (PMID: 34060176) and p.Glu71Asp (ClinVar SCV000552947.4) variants classified as variants of uncertain significance. Sequencing funded by the International Centre for Genomic Medicine in Neuromuscular Diseases (ICGNMD).

Labcorp Genetics (formerly Invitae), Labcorp
Classification: Uncertain significance for Charcot-Marie-Tooth disease, type I. Last evaluated: 2022-12-23. Review status: criteria provided, single submitter. Criteria: Invitae Variant Classification Sherloc (09022015). Collection method: clinical testing. Allele origin: germline.
Comment: This sequence change replaces glutamic acid, which is acidic and polar, with glycine, which is neutral and non-polar, at codon 71 of the MPZ protein (p.Glu71Gly). This variant is not present in population databases (gnomAD no frequency). This variant has not been reported in the literature in individuals affected with MPZ-related conditions. Advanced modeling of protein sequence and biophysical properties (such as structural, functional, and spatial information, amino acid conservation, physicochemical variation, residue mobility, and thermodynamic stability) performed at Invitae indicates that this missense variant is not expected to disrupt MPZ protein function. In summary, the available evidence is currently insufficient to determine the role of this variant in disease. Therefore, it has been classified as a Variant of Uncertain Significance.

Neuberg Centre For Genomic Medicine, NCGM
Classification: Uncertain significance for Charcot-Marie-Tooth disease type 1B. Review status: criteria provided, single submitter. Criteria: ACMG Guidelines, 2015. Collection method: clinical testing. Allele origin: germline. Inheritance: Autosomal dominant inheritance. Affected: yes.

Literature cited by the submitters: PubMed 37712079 (cited by Clinical Omics and Informatics (COIN) Unit, Neuroscience Institute, University Of Cape Town); PubMed 34060176 (cited by Clinical Omics and Informatics (COIN) Unit, Neuroscience Institute, University Of Cape Town).